The following is an entry in ClinVar:

NM_000263.4(NAGLU):c.1858A>G (p.Ser620Gly)

Gene: NAGLU (N-acetyl-alpha-glucosaminidase; plus strand). Cytogenetic location: 17q21.2.
Variant type: single nucleotide variant.
Coding change: c.1858A>G on transcript NM_000263.4 (MANE Select); coding-DNA position 1858, A replaced by G.
Protein change: p.Ser620Gly; replaces serine 620 with glycine.
Molecular consequence: missense variant.
Genome position (GRCh38, 1-based): chr17:42,543,864, A>G. VCF-style: chr17-42543864-A-G. GRCh37 (hg19) VCF-style: chr17-40695882-A-G.
Other names: short protein forms S620G.
Identifiers: ClinVar variation 1356597 (VCV001356597.3), dbSNP rs777994015, ClinGen allele CA8577107.

ClinVar aggregate classification (germline): Uncertain significance (1 of 4 stars; one submission).

Conditions:
Charcot-Marie-Tooth disease axonal type 2V. Also called: CHARCOT-MARIE-TOOTH NEUROPATHY, TYPE 2V; CHARCOT-MARIE-TOOTH DISEASE, AXONAL, AUTOSOMAL DOMINANT, TYPE 2V. Identifiers: Orphanet 447964, MedGen C5569050, MONDO:0014665, OMIM 616491.
Mucopolysaccharidosis, MPS-III-B (MPS3B). Also called: MPS IIIB (Sanfilippo Syndrome Type B); N-ACETYL-ALPHA-D-GLUCOSAMINIDASE DEFICIENCY; NAGLU DEFICIENCY; MUCOPOLYSACCHARIDOSIS, TYPE IIIB; Mucopolysaccharidosis type IIIB (Sanfilippo B); SANFILIPPO SYNDROME B. Identifiers: Orphanet 79270, MedGen C0086648, MONDO:0009656, OMIM 252920.

Allele frequency attached by ClinVar (database versions not stated): TOPMed 0.00001; gnomAD 0.00001; ExAC 0.00001; gnomAD exomes below 0.00001.
gnomAD v4.1: 1 of 1,602,630 alleles (0.000062%); highest among the groups gnomAD compares: African/African-American, 0.0013%; no homozygotes.

Submission:

Labcorp Genetics (formerly Invitae), Labcorp
Classification: Uncertain significance for Charcot-Marie-Tooth disease axonal type 2V; Mucopolysaccharidosis, MPS-III-B. Last evaluated: 2021-08-31. Review status: criteria provided, single submitter. Criteria: Invitae Variant Classification Sherloc (09022015). Collection method: clinical testing. Allele origin: germline.
Comment: This sequence change replaces serine with glycine at codon 620 of the NAGLU protein (p.Ser620Gly). The serine residue is weakly conserved and there is a small physicochemical difference between serine and glycine. This variant is present in population databases (rs777994015, ExAC 0.02%). This variant has not been reported in the literature in individuals affected with NAGLU-related conditions. Advanced modeling of protein sequence and biophysical properties (such as structural, functional, and spatial information, amino acid conservation, physicochemical variation, residue mobility, and thermodynamic stability) performed at Invitae indicates that this missense variant is not expected to disrupt NAGLU protein function. In summary, the available evidence is currently insufficient to determine the role of this variant in disease. Therefore, it has been classified as a Variant of Uncertain Significance.